The following is an entry in ClinVar:

ClinVar aggregate classification (germline): Uncertain significance. Review status: criteria provided, multiple submitters, no conflicts (2 of 4 stars). 2 submissions from 2 submitters: Uncertain significance (2). Last evaluated 2025-10-02.

Conditions:
Inborn genetic diseases. Identifiers: MedGen C0950123, MeSH D030342.

gnomAD v4.1: 8 of 1,613,700 alleles (0.0005%); highest among the groups gnomAD compares: Admixed American, 0.0033%; no homozygotes.

Submissions (2):

Ambry Genetics
Classification: Uncertain significance for Inborn genetic diseases. Last evaluated: 2025-10-02. Review status: criteria provided, single submitter. Criteria: Ambry Variant Classification Scheme 2023. Collection method: clinical testing. Allele origin: germline.

Mayo Clinic Laboratories, Mayo Clinic
Classification: Uncertain significance. Last evaluated: 2025-05-27. Review status: criteria provided, single submitter. Criteria: ACMG Guidelines, 2015. Collection method: clinical testing. Allele origin: germline. Observed: 1 variant allele.
Comment: BP4, PM2_supporting

NM_000506.5(F2):c.1463C>T (p.Thr488Met)

Gene: F2 (coagulation factor II, thrombin; plus strand). Cytogenetic location: 11p11.2.
Variant type: single nucleotide variant.
Coding change: c.1463C>T on transcript NM_000506.5 (MANE Select); coding-DNA position 1463, C replaced by T.
Protein change: p.Thr488Met; replaces threonine 488 with methionine.
Molecular consequence: missense variant.
Genome position (GRCh38, 1-based): chr11:46,728,828, C>T. VCF-style: chr11-46728828-C-T. GRCh37 (hg19) VCF-style: chr11-46750378-C-T.
Other names: p.Thr488Met; c.1463C>T (NM_000506.3); short protein forms T488M.
Identifiers: ClinVar variation 4541614 (VCV004541614.1).